The following is an entry in ClinVar:

NM_004415.4(DSP):c.782C>T (p.Ala261Val)

Gene: DSP (desmoplakin; plus strand). Cytogenetic location: 6p24.3.
Variant type: single nucleotide variant.
Coding change: c.782C>T on transcript NM_004415.4 (MANE Select); coding-DNA position 782, C replaced by T.
Protein change: p.Ala261Val; replaces alanine 261 with valine.
Molecular consequence: missense variant.
Genome position (GRCh38, 1-based): chr6:7,565,363, C>T. VCF-style: chr6-7565363-C-T. GRCh37 (hg19) VCF-style: chr6-7565596-C-T.
Other names: c.782C>T (NM_004415.3); c.782C>T, p.Ala261Val (NM_001008844.3, NM_001319034.2); short protein forms A261V.
Identifiers: ClinVar variation 44956 (VCV000044956.27), dbSNP rs139509870, ClinGen allele CA007298.

ClinVar aggregate classification (germline): Conflicting classifications of pathogenicity. Review status: criteria provided, conflicting classifications (1 of 4 stars). 11 submissions from 11 submitters: Uncertain significance (2); Likely benign (8). 1 of the submissions does not count toward it. Last evaluated 2026-01-27.

Conditions:
Cardiovascular phenotype. Identifiers: MedGen CN230736.
DSP-related disorder. Also called: DSP-related condition; DSP-related disorders.
Arrhythmogenic cardiomyopathy with wooly hair and keratoderma. Also called: Dilated cardiomyopathy with woolly hair and keratoderma; Arrhythmogenic cardiomyopathy with woolly hair and keratoderma; PALMOPLANTAR KERATODERMA WITH LEFT VENTRICULAR CARDIOMYOPATHY AND WOOLLY HAIR; Carvajal syndrome. Identifiers: Orphanet 65282, MedGen C1854063, MONDO:0011581, OMIM 605676.
Arrhythmogenic right ventricular dysplasia 8 (ARVD8). Also called: Arrhythmogenic Right Ventricular Dysplasia/Cardiomyopathy 8; ARRHYTHMOGENIC RIGHT VENTRICULAR DYSPLASIA, FAMILIAL, 8; ARRHYTHMOGENIC RIGHT VENTRICULAR CARDIOMYOPATHY 8. Identifiers: MedGen C1843896, MONDO:0011831, OMIM 607450.
Cardiomyopathy (CMYO). Also called: Cardiomyopathies. Identifiers: Orphanet 167848, MedGen C0878544, MONDO:0004994, HP:0001638. Inheritance: Various modes of inheritance.

Allele frequency attached by ClinVar (database versions not stated): gnomAD 0.00060 and 0.00067; gnomAD exomes 0.00013; ExAC 0.00015; ESP Exome Variant Server 0.00038; 1000 Genomes Project 0.00040; 1000 Genomes Project 30x 0.00047; TOPMed 0.00057.

Submissions (11):

Labcorp Genetics (formerly Invitae), Labcorp
Classification: Likely benign for Arrhythmogenic cardiomyopathy with wooly hair and keratoderma; Arrhythmogenic right ventricular dysplasia 8. Last evaluated: 2026-01-27. Review status: criteria provided, single submitter. Criteria: Invitae Variant Classification Sherloc (09022015). Collection method: clinical testing. Allele origin: germline.

Women's Health and Genetics/Laboratory Corporation of America, LabCorp
Classification: Likely benign. Last evaluated: 2025-09-29. Review status: criteria provided, single submitter. Criteria: LabCorp Variant Classification Summary - May 2015. Collection method: clinical testing. Allele origin: germline.
Comment: Variant summary: DSP c.782C>T (p.Ala261Val) results in a non-conservative amino acid change in the encoded protein sequence. Algorithms developed to predict the effect of missense changes on protein structure and function are either unavailable or do not agree on the potential impact of this missense change. The variant allele was found at a frequency of 0.00013 in 251320 control chromosomes, predominantly at a frequency of 0.0014 within the African or African-American subpopulation in the gnomAD database. The observed variant frequency within African or African-American control individuals in the gnomAD database exceeds the estimated maximal expected allele frequency for disease-causing variants in DSP. To our knowledge, no occurrence of c.782C>T in individuals affected with DSP-related conditions and no experimental evidence demonstrating its impact on protein function have been reported. ClinVar contains an entry for this variant (Variation ID: 44956). Based on the evidence outlined above, the variant was classified as likely benign.

ARUP Laboratories, Molecular Genetics and Genomics, ARUP Laboratories
Classification: Uncertain significance. Last evaluated: 2025-04-08. Review status: criteria provided, single submitter. Criteria: ARUP Molecular Germline Variant Investigation Process 2024. Collection method: clinical testing. Allele origin: germline.
Comment: The DSP c.782C>T; p.Ala261Val variant (rs139509870), to our knowledge, is not reported in the medical literature but is reported in ClinVar (Variation ID: 44956). This variant is found in the African population with an allele frequency of 0.18% (46/24,962 alleles) in the Genome Aggregation Database (v2.1.1). Computational analyses are uncertain whether this variant is neutral or deleterious (REVEL: 0.174). While the high population frequency suggests that this is likely a benign variant, given the lack of clinical and functional data, the significance of this variant is uncertain at this time.

Molecular Diagnostic Laboratory for Inherited Cardiovascular Disease, Montreal Heart Institute
Classification: Likely benign. Last evaluated: 2025-02-17. Review status: criteria provided, single submitter. Criteria: ACMG Guidelines, 2015. Collection method: clinical testing. Allele origin: germline. Affected: no.

Blueprint Genetics
Classification: Likely benign. Last evaluated: 2021-11-24. Review status: criteria provided, single submitter. Criteria: ACMG Guidelines, 2015. Collection method: clinical testing. Allele origin: germline.

Ambry Genetics
Classification: Likely benign for Cardiovascular phenotype. Last evaluated: 2021-11-16. Review status: criteria provided, single submitter. Criteria: Ambry Variant Classification Scheme 2023. Collection method: clinical testing. Allele origin: germline.

GeneDx
Classification: Likely benign. Last evaluated: 2020-12-01. Review status: criteria provided, single submitter. Criteria: GeneDx Variant Classification Process June 2021. Collection method: clinical testing. Allele origin: germline. Affected: yes.
Comment: This variant is associated with the following publications: (PMID: 23861362)

Color Diagnostics, LLC DBA Color Health
Classification: Likely benign for Cardiomyopathy. Last evaluated: 2018-12-03. Review status: criteria provided, single submitter. Criteria: ACMG Guidelines, 2015. Collection method: clinical testing. Allele origin: germline.

Biesecker Lab/Clinical Genomics Section, National Institutes of Health
Classification: Likely benign. Last evaluated: 2013-06-24. Review status: criteria provided, single submitter. Criteria: Ng et al. (Circ Cardiovasc Genet. 2013). Collection method: research. Allele origin: unknown. Observed: 1 variant allele. Study: ClinSeq.
Comment: The study set was not selected for affection status in relation to any cancer. Pathogenicity categories were based on literature curation. See Pubmed ID:23861362 for details.

Medical sequencing

Laboratory for Molecular Medicine, Mass General Brigham Personalized Medicine
Classification: Uncertain significance. Last evaluated: 2013-01-23. Review status: criteria provided, single submitter. Criteria: LMM Criteria. Collection method: clinical testing. Allele origin: germline. Observed: 1 variant allele.
Comment: Variant classified as Uncertain Significance - Favor Benign. The Ala261Val varia nt in DSP has not been reported in the literature nor previously identified by o ur laboratory. This variant has been identified in 0.1% (5/4406) of African Amer ican chromosomes from a broad population by the NHLBI Exome Sequencing Project (dbSNP rs139509870). Alanine (Ala) at position 261 is not conserved in mammals and additional computational analyses (biochemic al amino acid properties, AlignGVGD, PolyPhen2, and SIFT) suggest that the varia nt may not impact the protein, though this information is not predictive enough to rule out pathogenicity. In summary, the frequency of this variant and the lac k of conservation at this position suggest that the Ala261Val variant is more li kely benign, though additional information is needed to fully assess its clinica l significance.

PreventionGenetics, part of Exact Sciences
Classification: Likely benign for DSP-related condition. Last evaluated: 2024-03-19. Review status: no assertion criteria provided. Collection method: clinical testing. Allele origin: germline. Not counted in ClinVar's aggregate classification.
Comment: This variant is classified as likely benign based on ACMG/AMP sequence variant interpretation guidelines (Richards et al. 2015 PMID: 25741868, with internal and published modifications).

Literature cited by the submitters: PubMed 23861362 (cited by Ambry Genetics).